The following is an entry in ClinVar:

ClinVar aggregate classification (germline): Uncertain significance (1 of 4 stars; one submission).

Allele frequency attached by ClinVar (database versions not stated): gnomAD 0.00001; gnomAD exomes 0.00001 and 0.00002; ExAC 0.00002; TOPMed 0.00002.
gnomAD v4.1: 34 of 1,606,716 alleles (0.0021%); highest among the groups gnomAD compares: Non-Finnish European, 0.0028%; no homozygotes.

Submission:

Labcorp Genetics (formerly Invitae), Labcorp
Classification: Uncertain significance. Last evaluated: 2021-11-01. Review status: criteria provided, single submitter. Criteria: Invitae Variant Classification Sherloc (09022015). Collection method: clinical testing. Allele origin: germline.
Comment: This sequence change replaces threonine, which is neutral and polar, with alanine, which is neutral and non-polar, at codon 66 of the TANGO2 protein (p.Thr66Ala). This variant is present in population databases (rs777290579, gnomAD 0.003%). This variant has not been reported in the literature in individuals affected with TANGO2-related conditions. Algorithms developed to predict the effect of missense changes on protein structure and function are either unavailable or do not agree on the potential impact of this missense change (SIFT: "Not Available"; PolyPhen-2: "Benign"; Align-GVGD: "Not Available"). In summary, the available evidence is currently insufficient to determine the role of this variant in disease. Therefore, it has been classified as a Variant of Uncertain Significance.

NM_152906.7(TANGO2):c.196A>G (p.Thr66Ala)

Gene: TANGO2 (transport and golgi organization 2 homolog; plus strand). Cytogenetic location: 22q11.21.
Variant type: single nucleotide variant.
Coding change: c.196A>G on transcript NM_152906.7 (MANE Select); coding-DNA position 196, A replaced by G.
Protein change: p.Thr66Ala; replaces threonine 66 with alanine.
Molecular consequence: missense variant. On other transcripts: non-coding transcript variant (5).
Genome position (GRCh38, 1-based): chr22:20,052,515, A>G. VCF-style: chr22-20052515-A-G. GRCh37 (hg19) VCF-style: chr22-20040038-A-G.
Other names: c.196A>G, p.Thr66Ala (NM_001283106.3, NM_001283116.3, NM_001283148.3 and 10 more transcripts); c.319A>G, p.Thr107Ala (NM_001283129.3, NM_001283215.3, NM_001322141.2 and 5 more transcripts); c.17A>G, p.His6Arg (NM_001283235.3, NM_001322146.2, NM_001322148.2 and 9 more transcripts); short protein forms H6R, T66A, T107A.
Identifiers: ClinVar variation 1495391 (VCV001495391.3), dbSNP rs777290579, ClinGen allele CA10106237.